The following is an entry in ClinVar:

ClinVar aggregate classification (germline): Pathogenic. Review status: criteria provided, multiple submitters, no conflicts (2 of 4 stars). 28 submissions from 28 submitters: Pathogenic (27). 1 of the submissions does not count toward it. Last evaluated 2025-12-23.

Conditions:
EIF2B5-related disorders.
EIF2B5-related disorder. Also called: EIF2B5-related condition.
Leukoencephalopathy with vanishing white matter 5 (VWM5). Also called: EIF2B5-Related Childhood Ataxia with Central Nervous System Hypomyelination/Vanishing White Matter; Leukoencephalopathy with vanishing white matter 5, with or without ovarian failure. Identifiers: MedGen C5779973, MONDO:0957873, OMIM 620315.
Leukoencephalopathy with vanishing white matter 1 (VWM1). Also called: CHILDHOOD ATAXIA WITH CENTRAL NERVOUS SYSTEM HYPOMYELINIZATION; EIF2B1-Related Childhood Ataxia with Central Nervous System Hypomyelination/Vanishing White Matter; Cree leukoencephalopathy; Vanishing white matter leukodystrophy. Identifiers: Orphanet 99854, MedGen C5779972, MONDO:0020507, OMIM 603896.
Inborn genetic diseases. Identifiers: MedGen C0950123, MeSH D030342.
Vanishing white matter disease. Also called: Childhood ataxia with diffuse central nervous system hypomyelination; Leukoencephalopathy with vanishing white matter; CACH/VWM syndrome; Cree leukoencehalopathy; CACH syndrome. Identifiers: Orphanet 135, Orphanet 99853, MedGen C1858991, MONDO:0800448.

Allele frequency attached by ClinVar (database versions not stated): 1000 Genomes Project 30x 0.00016; 1000 Genomes Project 0.00020; gnomAD exomes 0.00021 and 0.00055; ExAC 0.00025; TOPMed 0.00026; gnomAD 0.00027.
gnomAD v4.1: 826 of 1,614,142 alleles (0.051%); highest among the groups gnomAD compares: Non-Finnish European, 0.067%; no homozygotes.

Submissions 1 to 12 of 28:

Labcorp Genetics (formerly Invitae), Labcorp
Classification: Pathogenic. Last evaluated: 2025-12-23. Review status: criteria provided, single submitter. Criteria: Invitae Variant Classification Sherloc (09022015). Collection method: clinical testing. Allele origin: germline.
Comment: This sequence change replaces arginine, which is basic and polar, with histidine, which is basic and polar, at codon 113 of the EIF2B5 protein (p.Arg113His). This variant is present in population databases (rs113994049, gnomAD 0.04%). This missense change has been observed in individuals with leukoencephalopathy with vanishing white matter (VWM) (PMID: 11704758, 15136689, 18005052, 18266750, 18678442, 18845387, 21307862, 21560189, 22699478, 24938145). It has also been observed to segregate with disease in related individuals. ClinVar contains an entry for this variant (Variation ID: 5945). Invitae Evidence Modeling of protein sequence and biophysical properties (such as structural, functional, and spatial information, amino acid conservation, physicochemical variation, residue mobility, and thermodynamic stability) indicates that this missense variant is not expected to disrupt EIF2B5 protein function with a negative predictive value of 80%. Experimental studies have shown that this missense change affects EIF2B5 function (PMID: 26112719). For these reasons, this variant has been classified as Pathogenic.

Victorian Clinical Genetics Services, Murdoch Childrens Research Institute
Classification: Pathogenic for Leukoencephalopathy with vanishing white matter 5. Last evaluated: 2025-11-17. Review status: criteria provided, single submitter. Criteria: ACMG Guidelines, 2015. Collection method: clinical testing. Allele origin: germline.
Comment: This variant is classified as Pathogenic. Evidence in support of pathogenic classification: Variant is present in gnomAD <0.01 for a recessive condition (v4: 826 heterozygote(s), 0 homozygote(s)); This variant has strong previous evidence of pathogenicity in unrelated individuals. This variant has been classified as pathogenic by multiple clinical laboratories (ClinVar). Additional information: Variant is predicted to result in a missense amino acid change from Arg to His; This variant is heterozygous; This gene is associated with autosomal recessive disease; Loss of function is a known mechanism of disease in this gene and is associated with leukoencephalopathy with vanishing white matter 5, with or without ovarian failure (MIM#620315).

Natera, Inc.
Classification: Pathogenic for Leukoencephalopathy with vanishing white matter. Last evaluated: 2025-09-29. Review status: criteria provided, single submitter. Criteria: Natera Variant Classification Schema (03/2026). Collection method: clinical testing. Allele origin: germline.
Comment: The c.338G>A variant in EIF2B5 is a missense variant predicted to cause substitution of arginine to histidine at amino acid 113. This variant has been observed in one or more individuals affected with the associated recessive disease, as either homozygous or compound heterozygous with a second variant (PMID: 37171481). Computational prediction algorithms indicate this variant is likely to affect gene or protein function. Given the available evidence, this variant is classified as Pathogenic.

3billion
Classification: Pathogenic for Leukoencephalopathy with vanishing white matter 5. Last evaluated: 2025-09-22. Review status: criteria provided, single submitter. Criteria: ACMG Guidelines, 2015. Collection method: clinical testing. Allele origin: germline. Affected: yes.
Comment: The variant is observed at an extremely low frequency in the gnomAD v4.1.0 dataset (total allele frequency: 0.051%). Predicted Consequence/Location: Missense variant Functional studies provide strong evidence of the variant having a damaging effect on the gene or gene product (PMID: 15060152, 26112719). The same nucleotide change resulting in the same amino acid change has been previously reported as pathogenic/likely pathogenic with strong evidence (ClinVar ID: VCV000005945 /PMID: 11704758 /3billion dataset). Different missense changes at the same codon (p.Arg113Cys, p.Arg113Ser) have been reported as pathogenic/likely pathogenic with strong evidence (ClinVar ID: VCV000692118 /PMID: 15136673, 34745209). Therefore, this variant is classified as Pathogenic according to the recommendation of ACMG/AMP guideline.

Mayo Clinic Laboratories, Mayo Clinic
Classification: Pathogenic. Last evaluated: 2025-08-04. Review status: criteria provided, single submitter. Criteria: ACMG Guidelines, 2015. Collection method: clinical testing. Allele origin: germline. Observed: 1 variant allele.
Comment: PP1, PP2, PM3_strong, PS4

PreventionGenetics, part of Exact Sciences
Classification: Pathogenic for EIF2B5-related condition. Last evaluated: 2025-06-16. Review status: criteria provided, single submitter. Criteria: ACMG Guidelines, 2015. Collection method: clinical testing. Allele origin: germline.
Comment: The EIF2B5 c.338G>A variant is predicted to result in the amino acid substitution p.Arg113His. This variant has been reported in both the homozygous state and compound heterozygous state in many patients with leukoencephalopathy with vanishing white matter (Leegwater et al. 2003. PubMed ID: 14572143; Fogli et al. 2004. PubMed ID: 15136673; Liu et al. 2011. PubMed ID: 21560189). Of note, a different missense variant c.337C>T (p.Arg113Cys), affecting the same amino acid residue, has also been reported in patients with leukoencephalopathy with vanishing white matter (Fogli A. et al. 2004. PubMed ID: 15136673). An in vitro functional study revealed that homozygous c.338G>A (p.Arg113His) alleles have around 49 -75% of GEF elf2B activity (Fogli A. et al. 2004. PubMed ID: 15054402). This variant is reported in 0.043% of alleles in individuals of European (Non-Finnish) descent in gnomAD. In summary, we interpret this variant as pathogenic.

Blueprint Genetics
Classification: Pathogenic for EIF2B5-related disorders. Last evaluated: 2024-08-09. Review status: criteria provided, single submitter. Criteria: ACMG Guidelines, 2015. Collection method: clinical testing. Allele origin: germline. Affected: yes. Observed: 5 variant alleles.

Centre for Inherited Metabolic Diseases, Karolinska University Hospital
Classification: Pathogenic for Leukoencephalopathy with vanishing white matter 5. Last evaluated: 2024-03-11. Review status: criteria provided, single submitter. Criteria: ACMG Guidelines, 2015. Collection method: clinical testing. Allele origin: unknown. Inheritance: Autosomal recessive inheritance. Affected: yes. Observed: 1 homozygote.

Fulgent Genetics
Classification: Pathogenic for Leukoencephalopathy with vanishing white matter 5. Last evaluated: 2024-03-05. Review status: criteria provided, single submitter. Criteria: ACMG Guidelines, 2015. Collection method: clinical testing. Allele origin: germline.

Illumina Laboratory Services, Illumina
Classification: Pathogenic for Leukoencephalopathy with vanishing white matter. Last evaluated: 2023-07-27. Review status: criteria provided, single submitter. Criteria: ICSLVariantClassificationCriteria RUGD 01 April 2020. Collection method: clinical testing. Allele origin: unknown.
Comment: The EIF2B5 c.338G>A (p.Arg113His) missense variant has been identified in a homozygous state in at least 30 individuals and in a compound heterozygous state in at least 55 individuals with vanishing white matter disease/leukodystrophy (PMIDs: 15060152; 20975056; 22699478; 22952606; 24938145). Individuals homozygous for the p.Arg113His variant showed a milder form of the disease (PMID: 20975056). This variant is not observed at a significant frequency in version 2.1.1 or version 3.1.2 of the Genome Aggregation Database. Functional studies conducted in patient cells demonstrated that this variant impacts protein function (PMID: 15060152; 22737209; 22952606). Based on the available evidence, the c.338G>A (p.Arg113His) variant is classified as pathogenic for leukoencephalopathy with vanishing white matter.

Duke University Health System Sequencing Clinic, Duke University Health System
Classification: Pathogenic for Leukoencephalopathy with vanishing white matter 1. Last evaluated: 2023-04-20. Review status: criteria provided, single submitter. Criteria: ACMG Guidelines, 2015. Collection method: research. Allele origin: paternal. Affected: yes.

Department of Pathology and Laboratory Medicine, Sinai Health System
Classification: Pathogenic for Leukoencephalopathy with vanishing white matter 5. Last evaluated: 2023-04-06. Review status: criteria provided, single submitter. Criteria: ACMG Guidelines, 2015. Collection method: research. Allele origin: germline.

NM_003907.3(EIF2B5):c.338G>A (p.Arg113His)

Gene: EIF2B5 (eukaryotic translation initiation factor 2B subunit epsilon; plus strand). Cytogenetic location: 3q27.1.
Variant type: single nucleotide variant.
Coding change: c.338G>A on transcript NM_003907.3 (MANE Select); coding-DNA position 338, G replaced by A.
Protein change: p.Arg113His; replaces arginine 113 with histidine.
Molecular consequence: missense variant.
Genome position (GRCh38, 1-based): chr3:184,137,637, G>A. VCF-style: chr3-184137637-G-A. GRCh37 (hg19) VCF-style: chr3-183855425-G-A.
Other names: short protein forms R113H.
Identifiers: ClinVar variation 5945 (VCV000005945.86), dbSNP rs113994049, ClinGen allele CA117878.